The following is an entry in ClinVar:

NM_001106.4(ACVR2B):c.811-13_811-12inv

Gene: ACVR2B (activin A receptor type 2B; plus strand). Cytogenetic location: 3p22.2.
Variant type: Inversion.
Coding change: c.811-13_811-12inv on transcript NM_001106.4 (MANE Select).
Molecular consequence: intron variant.
Genome position: GRCh38 VCF-style: chr3-38479665-TG-CA. GRCh37 (hg19) VCF-style: chr3-38521156-TG-CA.
Identifiers: ClinVar variation 3701494 (VCV003701494.2).

ClinVar aggregate classification (germline): Uncertain significance (1 of 4 stars; one submission).

Conditions:
Heterotaxy, visceral, 4, autosomal (HTX4). Identifiers: Orphanet 450, MedGen C3151057, MONDO:0013403, OMIM 613751.

Submission:

Labcorp Genetics (formerly Invitae), Labcorp
Classification: Uncertain significance for Heterotaxy, visceral, 4, autosomal. Last evaluated: 2024-10-15. Review status: criteria provided, single submitter. Criteria: Invitae Variant Classification Sherloc (09022015). Collection method: clinical testing. Allele origin: germline.
Comment: This sequence change falls in intron 6 of the ACVR2B gene. It does not directly change the encoded amino acid sequence of the ACVR2B protein. Information on the frequency of this variant in the gnomAD database is not available, as this variant may be reported differently in the database. This variant has not been reported in the literature in individuals affected with ACVR2B-related conditions. Experimental studies and prediction algorithms are not available or were not evaluated, and the effect of this variant on mRNA splicing is currently unknown. In summary, the available evidence is currently insufficient to determine the role of this variant in disease. Therefore, it has been classified as a Variant of Uncertain Significance.